The following is an entry in ClinVar:

NM_014874.4(MFN2):c.1804_1812del (p.Ser602_Val604del)

Gene: MFN2 (mitofusin 2; plus strand). Cytogenetic location: 1p36.22.
Variant type: Deletion.
Coding change: c.1804_1812del on transcript NM_014874.4 (MANE Select); coding-DNA positions 1804 to 1812, 9 bases deleted (TCCATGGTT; older notation c.1804_1812delTCCATGGTT).
Protein change: p.Ser602_Val604del.
Molecular consequence: inframe deletion.
Genome position (GRCh38, 1-based): chr1:12,006,625-12,006,633, TCCATGGTT deleted; deleting any 9 consecutive bases within chr1:12,006,618-12,006,633 gives the same sequence; the c. name uses the placement nearest the transcript's 3' end. VCF-style (leftmost placement, unchanged base first): chr1-12006617-TCATGGTTTC-T. GRCh37 (hg19) VCF-style: chr1-12066674-TCATGGTTTC-T.
Other names: c.1804_1812del, p.Ser602_Val604del (NM_001127660.2).
Identifiers: ClinVar variation 1780446 (VCV001780446.2), dbSNP rs2523094925, ClinGen allele CA2580060541.

ClinVar aggregate classification (germline): Uncertain significance (1 of 4 stars; one submission).

Conditions:
Inborn genetic diseases. Identifiers: MedGen C0950123, MeSH D030342.

Submission:

Ambry Genetics
Classification: Uncertain significance for Inborn genetic diseases. Last evaluated: 2020-11-25. Review status: criteria provided, single submitter. Criteria: Ambry Variant Classification Scheme 2023. Collection method: clinical testing. Allele origin: germline.
Comment: The c.1804_1812delTCCATGGTT variant (also known as p.S602_V604del) is located in coding exon 14 of the MFN2 gene. This variant results from an in-frame TCCATGGTT deletion at nucleotide positions 1804 to 1812. This results in the in-frame deletion of three amino acids at codons 602 to 604. This amino acid position is well conserved in available vertebrate species. In addition, this alteration is predicted to be deleterious by in silico analysis (Choi Y et al. PLoS ONE. 2012; 7(10):e46688). Since supporting evidence is limited at this time, the clinical significance of this alteration remains unclear.